The following is an entry in ClinVar:

ClinVar aggregate classification (germline): Benign/Likely benign. Review status: criteria provided, multiple submitters, no conflicts (2 of 4 stars). 6 submissions from 6 submitters: Benign (4); Likely benign (2). Last evaluated 2026-06-24.

Conditions:
Retinoblastoma (RB1). Also called: RETINOBLASTOMA, SOMATIC. Identifiers: Orphanet 790, MedGen C0035335, MeSH D012175, MONDO:0008380, OMIM 180200, HP:0009919. Disease mechanism: loss of function. Inheritance: Both sporadic and heritable forms are tested..
Hereditary cancer-predisposing syndrome. Also called: Tumor predisposition; Hereditary Cancer Syndrome; Hereditary neoplastic syndrome; Neoplastic Syndromes, Hereditary. Identifiers: Orphanet 140162, MedGen C0027672, MeSH D009386, MONDO:0015356.

Allele frequency attached by ClinVar (database versions not stated): gnomAD 0.00005 and 0.00007; gnomAD exomes 0.00005; TOPMed 0.00005; ExAC 0.00008; ESP Exome Variant Server 0.00023.
gnomAD v4.1: 43 of 1,603,876 alleles (0.0027%); highest among the groups gnomAD compares: African/African-American, 0.027%; no homozygotes.

Submissions (6):

Myriad Genetics, Inc.
Classification: Benign for Retinoblastoma. Last evaluated: 2026-06-24. Review status: criteria provided, single submitter. Criteria: Myriad Autosomal Dominant, Autosomal Recessive and X-Linked Classification Criteria (2023). Collection method: clinical testing. Allele origin: unknown.
Comment: This variant is considered benign. This variant is a silent/synonymous amino acid change and it is not expected to impact splicing.

Labcorp Genetics (formerly Invitae), Labcorp
Classification: Benign for Retinoblastoma. Last evaluated: 2025-10-27. Review status: criteria provided, single submitter. Criteria: Invitae Variant Classification Sherloc (09022015). Collection method: clinical testing. Allele origin: germline.

Blueprint Genetics
Classification: Likely benign. Last evaluated: 2024-10-14. Review status: criteria provided, single submitter. Criteria: ACMG Guidelines, 2015. Collection method: clinical testing. Allele origin: germline.

All of Us Research Program, National Institutes of Health
Classification: Benign for Retinoblastoma. Last evaluated: 2023-11-28. Review status: criteria provided, single submitter. Criteria: ACMG Guidelines, 2015. Collection method: clinical testing. Allele origin: germline. Inheritance: Autosomal dominant inheritance. Observed: 2 variant alleles, 2 heterozygotes.
Comment: This study involves interpretation of variants in research participants for the purpose of population health screening. Participant phenotype was not available at the time of variant classification. Additional details can be found in publication PMID: 35346344, PMCID: PMC8962531

Color Diagnostics, LLC DBA Color Health
Classification: Benign for Retinoblastoma. Last evaluated: 2022-04-29. Review status: criteria provided, single submitter. Criteria: ACMG Guidelines, 2015. Collection method: clinical testing. Allele origin: germline.

Ambry Genetics
Classification: Likely benign for Hereditary cancer-predisposing syndrome. Last evaluated: 2018-08-30. Review status: criteria provided, single submitter. Criteria: Ambry Variant Classification Scheme 2023. Collection method: clinical testing. Allele origin: germline.

NM_000321.3(RB1):c.1467C>T (p.Cys489=)

Gene: RB1 (RB transcriptional corepressor 1; plus strand). Cytogenetic location: 13q14.2.
Variant type: single nucleotide variant.
Coding change: c.1467C>T on transcript NM_000321.3 (MANE Select); coding-DNA position 1467, C replaced by T.
Protein change: p.Cys489=; no amino-acid change (cysteine 489 retained).
Molecular consequence: synonymous variant.
Genome position (GRCh38, 1-based): chr13:48,380,210, C>T. VCF-style: chr13-48380210-C-T. GRCh37 (hg19) VCF-style: chr13-48954346-C-T.
Identifiers: ClinVar variation 416486 (VCV000416486.19), dbSNP rs141608408, ClinGen allele CA028858.